The following is an entry in ClinVar:

ClinVar aggregate classification (germline): Pathogenic (1 of 4 stars; one submission).

Submission:

Labcorp Genetics (formerly Invitae), Labcorp
Classification: Pathogenic. Last evaluated: 2019-07-17. Review status: criteria provided, single submitter. Criteria: Invitae Variant Classification Sherloc (09022015). Collection method: clinical testing. Allele origin: germline.
Comment: This sequence change creates a premature translational stop signal (p.Leu45*) in the PHEX gene. It is expected to result in an absent or disrupted protein product. This variant is not present in population databases (ExAC no frequency). A different variant (c.134T>A) giving rise to the same protein effect observed here (p.Leu45*) has been determined to be pathogenic (PMID: 9097956, 9106524, 19219621). This suggests that this variant is also likely to be causative of disease. Loss-of-function variants in PHEX are known to be pathogenic (PMID: 9097956, 9106524, 19219621). For these reasons, this variant has been classified as Pathogenic.

Literature cited by the submitters: PubMed 9097956; PubMed 9106524; PubMed 19219621.

NM_000444.6(PHEX):c.134T>G (p.Leu45Ter)

Gene: PHEX (phosphate regulating endopeptidase X-linked; plus strand). Cytogenetic location: Xp22.11.
Variant type: single nucleotide variant.
Coding change: c.134T>G on transcript NM_000444.6 (MANE Select); coding-DNA position 134, T replaced by G.
Protein change: p.Leu45Ter; replaces leucine 45 with a stop codon.
Molecular consequence: nonsense.
Genome position (GRCh38, 1-based): chrX:22,038,484, T>G. VCF-style: chrX-22038484-T-G. GRCh37 (hg19) VCF-style: chrX-22056602-T-G.
Other names: c.134T>G, p.Leu45Ter (NM_001282754.2); short protein forms L45*.
Identifiers: ClinVar variation 947020 (VCV000947020.9), dbSNP rs886039661, ClinGen allele CA412564801.